The following is an entry in ClinVar:

NM_003108.4(SOX11):c.111C>A (p.Ser37Arg)

Gene: SOX11 (SRY-box transcription factor 11; plus strand). Cytogenetic location: 2p25.2.
Variant type: single nucleotide variant.
Coding change: c.111C>A on transcript NM_003108.4 (MANE Select); coding-DNA position 111, C replaced by A.
Protein change: p.Ser37Arg; replaces serine 37 with arginine.
Molecular consequence: missense variant.
Genome position (GRCh38, 1-based): chr2:5,692,832, C>A. VCF-style: chr2-5692832-C-A. GRCh37 (hg19) VCF-style: chr2-5832964-C-A.
Other names: short protein forms S37R.
Identifiers: ClinVar variation 2504995 (VCV002504995.1), dbSNP rs2465087356, ClinGen allele CA345865952.

ClinVar aggregate classification (germline): Uncertain significance (1 of 4 stars; one submission).

Submission:

GeneDx
Classification: Uncertain significance. Last evaluated: 2022-12-06. Review status: criteria provided, single submitter. Criteria: GeneDx Variant Classification Process June 2021. Collection method: clinical testing. Allele origin: germline. Affected: yes.
Comment: Not observed at significant frequency in large population cohorts (gnomAD); In silico analysis supports that this missense variant does not alter protein structure/function; Has not been previously published as pathogenic or benign to our knowledge